The following is an entry in ClinVar:

NM_002641.4(PIGA):c.130C>T (p.Pro44Ser)

Gene: PIGA (phosphatidylinositol glycan anchor biosynthesis class A; minus strand). Cytogenetic location: Xp22.2.
Variant type: single nucleotide variant.
Coding change: c.130C>T on transcript NM_002641.4 (MANE Select); coding-DNA position 130, C replaced by T.
Protein change: p.Pro44Ser; replaces proline 44 with serine.
Molecular consequence: missense variant. On other transcripts: non-coding transcript variant (2), intron variant (2).
Genome position (GRCh38, 1-based): chrX:15,331,801, G>A on the plus strand (C>T on the coding strand, the complement: PIGA is on the minus strand). VCF-style: chrX-15331801-G-A. GRCh37 (hg19) VCF-style: chrX-15349923-G-A.
Other names: c.130C>T, p.Pro44Ser (NM_001440789.1); c.13+3700C>T (NM_020473.3); c.14-3488C>T (NM_001440790.1); short protein forms P44S.
Identifiers: ClinVar variation 4686665 (VCV004686665.1).

ClinVar aggregate classification (germline): Uncertain significance (1 of 4 stars; one submission).

Conditions:
Multiple congenital anomalies-hypotonia-seizures syndrome 2 (MCAHS2). Also called: EPILEPTIC ENCEPHALOPATHY, EARLY INFANTILE, 20; GLYCOSYLPHOSPHATIDYLINOSITOL BIOSYNTHESIS DEFECT 4. Identifiers: Orphanet 300496, MedGen C3275508, MONDO:0010466, OMIM 300868.

Submission:

Neurology Department, Soochow Children's Hospital
Classification: Uncertain significance for Multiple congenital anomalies-hypotonia-seizures syndrome 2. Last evaluated: 2025-12-18. Review status: criteria provided, single submitter. Criteria: ACMG Guidelines, 2015. Collection method: clinical testing. Allele origin: maternal. Inheritance: X-linked recessive inheritance. Affected: yes. Observed: 1 hemizygote.
Comment: NM_002641.4:c.130C>T: recessive disease MAF<0.005, belonging to low-frequency variation (PM2). In addition, a variety of statistical methods (greater than or equal to 3) predict that the variation has an impact on genes (gene products): conservation and protein structure prediction harmful (SIFT, polyphen2_hdiv, polyphen2_hvar, provian, mutationtaster, m-cap, renew, GERP, phylop20way, phastcons20way), which is upgraded from PP3 (PM). To sum up, according to the applied ACMG standard, the variation conforms to the classification standard of VUS: PM2+ PM.

Literature cited by the submitters: PubMed 32901917.